The following is an entry in ClinVar:

ClinVar aggregate classification (germline): Pathogenic. Review status: criteria provided, multiple submitters, no conflicts (2 of 4 stars). 6 submissions from 5 submitters: Pathogenic (4). 2 of the submissions do not count toward it. Last evaluated 2023-05-05.

Conditions:
Tuberous sclerosis syndrome (TSC). Also called: Tuberous Sclerosis Complex; Tuberous sclerosis. Identifiers: Orphanet 805, MedGen C0041341, MONDO:0001734.
Tuberous sclerosis 2 (TSC2). Identifiers: Orphanet 805, MedGen C1860707, MONDO:0013199, OMIM 613254.

Submissions (6):

Labcorp Genetics (formerly Invitae), Labcorp
Classification: Pathogenic for Tuberous sclerosis 2. Last evaluated: 2023-05-05. Review status: criteria provided, single submitter. Criteria: Invitae Variant Classification Sherloc (09022015). Collection method: clinical testing. Allele origin: germline.
Comment: ClinVar contains an entry for this variant (Variation ID: 65089). For these reasons, this variant has been classified as Pathogenic. Algorithms developed to predict the effect of sequence changes on RNA splicing suggest that this variant may disrupt the consensus splice site. Disruption of this splice site has been observed in individual(s) with tuberous sclerosis complex (PMID: 28623545). This variant is not present in population databases (gnomAD no frequency). This sequence change affects a donor splice site in intron 12 of the TSC2 gene. It is expected to disrupt RNA splicing. Variants that disrupt the donor or acceptor splice site typically lead to a loss of protein function (PMID: 16199547), and loss-of-function variants in TSC2 are known to be pathogenic (PMID: 10205261, 17304050).

Genome-Nilou Lab
Classification: Pathogenic for Tuberous sclerosis 2. Last evaluated: 2021-11-07. Review status: criteria provided, single submitter. Criteria: ACMG Guidelines, 2015. Collection method: clinical testing. Allele origin: germline. Affected: no.

Molecular Biology Laboratory, Fundació Puigvert
Classification: Pathogenic for Tuberous sclerosis 2. Last evaluated: 2020-02-01. Review status: criteria provided, single submitter. Criteria: ACMG Guidelines, 2015. Collection method: research. Allele origin: germline. Affected: yes. Study: KidneyPanel_2020.

Center for Human Genetics, Inc
Classification: Pathogenic for Tuberous sclerosis 2. Last evaluated: 2018-06-01. Review status: criteria provided, single submitter. Criteria: ACMG Guidelines, 2015. Collection method: clinical testing. Allele origin: germline. Affected: yes.

Tuberous sclerosis database (TSC2)
No classification provided. Condition: TSC. Review status: no classification provided. Criteria: Tuberous Sclerosis Database Assertion Criteria 2015. Collection method: curation. Allele origin: germline. Affected: yes. Not counted in ClinVar's aggregate classification.

Tuberous sclerosis database (TSC2)
No classification provided. Condition: TSC. Review status: flagged submission. Criteria: Tuberous Sclerosis Database Assertion Criteria 2015. Collection method: curation. Allele origin: germline. Affected: yes. Not counted in ClinVar's aggregate classification.
ClinVar note: Reason: This record appears to be redundant with a more recent record from the same submitter.
ClinVar note: Notes: SCV000083520 appears to be redundant with SCV000083704.

Literature cited by the submitters: PubMed 28623545 (cited by Labcorp Genetics (formerly Invitae), Labcorp); PubMed 16199547 (cited by Labcorp Genetics (formerly Invitae), Labcorp); PubMed 10205261 (cited by Labcorp Genetics (formerly Invitae), Labcorp); PubMed 17304050 (cited by Labcorp Genetics (formerly Invitae), Labcorp); PubMed 33532864 (cited by Molecular Biology Laboratory, Fundació Puigvert).

NM_000548.5(TSC2):c.1257+1G>A

Gene: TSC2 (TSC complex subunit 2; plus strand). Cytogenetic location: 16p13.3.
Variant type: single nucleotide variant.
Coding change: c.1257+1G>A on transcript NM_000548.5 (MANE Select); the canonical splice donor site of the intron after coding-DNA position 1257, G replaced by A.
Molecular consequence: splice donor variant.
Genome position (GRCh38, 1-based): chr16:2,062,009, G>A. VCF-style: chr16-2062009-G-A. GRCh37 (hg19) VCF-style: chr16-2112010-G-A.
Other names: c.1257+1G>A (NM_001370405.1, NM_001363528.2, NM_001406665.1 and 6 more transcripts); c.-56+1G>A (NM_001406694.1, NM_001406695.1); c.-88+1G>A (NM_001406696.1, NM_001406693.1, NM_001406689.1 and 4 more transcripts); c.1245+1G>A (NM_001406671.1, NM_001406673.1); c.795+1G>A (NM_001406681.1); c.1146+1G>A (NM_001406670.1, NM_001318827.2, NM_001406678.1); c.657+1G>A (NM_001406682.1, NM_001406684.1, NM_001406685.1 and 6 more transcripts); c.1200+1G>A (NM_001406677.1); and 4 more.
Identifiers: ClinVar variation 65089 (VCV000065089.11), dbSNP rs397515066, ClinGen allele CA014198.